The following is an entry in ClinVar:

NM_030662.4(MAP2K2):c.1151G>A (p.Cys384Tyr)

Gene: MAP2K2 (mitogen-activated protein kinase kinase 2; minus strand). Cytogenetic location: 19p13.3.
Variant type: single nucleotide variant.
Coding change: c.1151G>A on transcript NM_030662.4 (MANE Select); coding-DNA position 1151, G replaced by A.
Protein change: p.Cys384Tyr; replaces cysteine 384 with tyrosine.
Molecular consequence: missense variant.
Genome position (GRCh38, 1-based): chr19:4,090,650, C>T on the plus strand (G>A on the coding strand, the complement: MAP2K2 is on the minus strand). VCF-style: chr19-4090650-C-T. GRCh37 (hg19) VCF-style: chr19-4090648-C-T.
Other names: short protein forms C384Y.
Identifiers: ClinVar variation 1308219 (VCV001308219.5), dbSNP rs2040846395, ClinGen allele CA403380918.

ClinVar aggregate classification (germline): Uncertain significance. Review status: criteria provided, multiple submitters, no conflicts (2 of 4 stars). 2 submissions from 2 submitters: Uncertain significance (2). Last evaluated 2023-12-19.

Conditions:
RASopathy. Also called: rasopathies; Noonan spectrum disorder. Identifiers: Orphanet 536391, MedGen C5555857, MONDO:0021060.

Submissions (2):

Labcorp Genetics (formerly Invitae), Labcorp
Classification: Uncertain significance for RASopathy. Last evaluated: 2023-12-19. Review status: criteria provided, single submitter. Criteria: Invitae Variant Classification Sherloc (09022015). Collection method: clinical testing. Allele origin: germline.
Comment: This sequence change replaces cysteine, which is neutral and slightly polar, with tyrosine, which is neutral and polar, at codon 384 of the MAP2K2 protein (p.Cys384Tyr). This variant is not present in population databases (gnomAD no frequency). This variant has not been reported in the literature in individuals affected with MAP2K2-related conditions. ClinVar contains an entry for this variant (Variation ID: 1308219). Advanced modeling of protein sequence and biophysical properties (such as structural, functional, and spatial information, amino acid conservation, physicochemical variation, residue mobility, and thermodynamic stability) has been performed at Invitae for this missense variant, however the output from this modeling did not meet the statistical confidence thresholds required to predict the impact of this variant on MAP2K2 protein function. In summary, the available evidence is currently insufficient to determine the role of this variant in disease. Therefore, it has been classified as a Variant of Uncertain Significance.

GeneDx
Classification: Uncertain significance. Last evaluated: 2019-03-15. Review status: criteria provided, single submitter. Criteria: GeneDx Variant Classification Process June 2021. Collection method: clinical testing. Allele origin: germline. Affected: yes.
Comment: Has not been previously published as pathogenic or benign to our knowledge; Not observed in large population cohorts (Lek et al., 2016); In silico analysis, which includes protein predictors and evolutionary conservation, supports a deleterious effect; The majority of missense variants in this gene are considered pathogenic (Stenson et al., 2014)